The following is an entry in ClinVar:

ClinVar aggregate classification (germline): Likely pathogenic (1 of 4 stars; one submission).

Conditions:
Cystic fibrosis (CF). Also called: MUCOVISCIDOSIS. Identifiers: Orphanet 586, MedGen C0010674, MONDO:0009061, OMIM 219700. Disease mechanism: loss of function.

Submission:

Labcorp Genetics (formerly Invitae), Labcorp
Classification: Likely pathogenic for Cystic fibrosis. Last evaluated: 2018-12-02. Review status: criteria provided, single submitter. Criteria: Invitae Variant Classification Sherloc (09022015). Collection method: clinical testing. Allele origin: germline.
Comment: This sequence change affects a donor splice site in intron 6 of the CFTR gene. It is expected to disrupt RNA splicing and likely results in an absent or disrupted protein product. This variant is not present in population databases (ExAC no frequency). This variant has not been reported in the literature in individuals with CFTR-related conditions. Algorithms developed to predict the effect of sequence changes on RNA splicing suggest that this variant may disrupt the consensus splice site, but this prediction has not been confirmed by published transcriptional studies. Donor and acceptor splice site variants typically lead to a loss of protein function (PMID: 16199547), and loss-of-function variants in CFTR are known to be pathogenic (PMID: 1695717, 7691345, 9725922). In summary, the currently available evidence indicates that the variant is pathogenic, but additional data are needed to prove that conclusively. Therefore, this variant has been classified as Likely Pathogenic.

Literature cited by the submitters: PubMed 1695717; PubMed 7691345; PubMed 9725922.

NM_000492.4(CFTR):c.743+2T>C

Gene: CFTR (CF transmembrane conductance regulator; plus strand). Cytogenetic location: 7q31.2.
Variant type: single nucleotide variant.
Coding change: c.743+2T>C on transcript NM_000492.4 (MANE Select); the canonical splice donor site of the intron after coding-DNA position 743, T replaced by C.
Molecular consequence: splice donor variant.
Genome position (GRCh38, 1-based): chr7:117,535,413, T>C. VCF-style: chr7-117535413-T-C. GRCh37 (hg19) VCF-style: chr7-117175467-T-C.
Identifiers: ClinVar variation 645792 (VCV000645792.1), dbSNP rs1584787119, ClinGen allele CA368977235.